The following is an entry in ClinVar:

ClinVar aggregate classification (germline): Uncertain significance. Review status: criteria provided, multiple submitters, no conflicts (2 of 4 stars). 2 submissions from 2 submitters: Uncertain significance (2). Last evaluated 2020-01-11.

Allele frequency attached by ClinVar (database versions not stated): gnomAD exomes 0.00001 and 0.00002; TOPMed 0.00001; gnomAD 0.00002; ExAC 0.00003; 1000 Genomes Project 30x 0.00016; 1000 Genomes Project 0.00020.
gnomAD v4.1: 19 of 1,612,704 alleles (0.0012%); highest among the groups gnomAD compares: Admixed American, 0.005%; no homozygotes.

Submissions (2):

GeneDx
Classification: Uncertain significance. Last evaluated: 2020-01-11. Review status: criteria provided, single submitter. Criteria: GeneDx Variant Classification Process June 2021. Collection method: clinical testing. Allele origin: germline. Affected: yes.
Comment: In silico analysis, which includes protein predictors and evolutionary conservation, supports that this variant does not alter protein structure/function; Has not been previously published as pathogenic or benign to our knowledge

Labcorp Genetics (formerly Invitae), Labcorp
Classification: Uncertain significance. Last evaluated: 2019-10-04. Review status: criteria provided, single submitter. Criteria: Invitae Variant Classification Sherloc (09022015). Collection method: clinical testing. Allele origin: germline.
Comment: In summary, the available evidence is currently insufficient to determine the role of this variant in disease. Therefore, it has been classified as a Variant of Uncertain Significance. Algorithms developed to predict the effect of missense changes on protein structure and function output the following: SIFT: "Deleterious"; PolyPhen-2: "Benign"; Align-GVGD: "Class C25". The histidine amino acid residue is found in multiple mammalian species, suggesting that this missense change does not adversely affect protein function. These predictions have not been confirmed by published functional studies and their clinical significance is uncertain. This variant has not been reported in the literature in individuals with ZNF408-related conditions. This variant is present in population databases (rs576928706, ExAC 0.01%). This sequence change replaces arginine with histidine at codon 456 of the ZNF408 protein (p.Arg456His). The arginine residue is highly conserved and there is a small physicochemical difference between arginine and histidine.

NM_024741.3(ZNF408):c.1367G>A (p.Arg456His)

Gene: ZNF408 (zinc finger protein 408; plus strand). Cytogenetic location: 11p11.2.
Variant type: single nucleotide variant.
Coding change: c.1367G>A on transcript NM_024741.3 (MANE Select); coding-DNA position 1367, G replaced by A.
Protein change: p.Arg456His; replaces arginine 456 with histidine.
Molecular consequence: missense variant.
Genome position (GRCh38, 1-based): chr11:46,705,067, G>A. VCF-style: chr11-46705067-G-A. GRCh37 (hg19) VCF-style: chr11-46726617-G-A.
Other names: c.1343G>A, p.Arg448His (NM_001184751.2); short protein forms R448H, R456H.
Identifiers: ClinVar variation 935712 (VCV000935712.11), dbSNP rs576928706, ClinGen allele CA5966554.